The following is an entry in ClinVar:

ClinVar aggregate classification (germline): Uncertain significance (1 of 4 stars; one submission).

Conditions:
Early Myoclonic Encephalopathy. Identifiers: MedGen C0270855.

Allele frequency attached by ClinVar (database versions not stated): TOPMed below 0.00001; gnomAD exomes 0.00001; ExAC 0.00002.
gnomAD v4.1: 13 of 1,613,886 alleles (0.00081%); highest among the groups gnomAD compares: Non-Finnish European, 0.001%; no homozygotes.

Submission:

Labcorp Genetics (formerly Invitae), Labcorp
Classification: Uncertain significance for Early Myoclonic Encephalopathy. Last evaluated: 2020-10-15. Review status: criteria provided, single submitter. Criteria: Invitae Variant Classification Sherloc (09022015). Collection method: clinical testing. Allele origin: germline.
Comment: In summary, the available evidence is currently insufficient to determine the role of this variant in disease. Therefore, it has been classified as a Variant of Uncertain Significance. Algorithms developed to predict the effect of missense changes on protein structure and function are either unavailable or do not agree on the potential impact of this missense change (SIFT: "Deleterious"; PolyPhen-2: "Probably Damaging"; Align-GVGD: "Class C0"). This variant has not been reported in the literature in individuals with JMJD1C-related conditions. This variant is present in population databases (rs749176745, ExAC 0.003%). This sequence change replaces arginine with histidine at codon 1738 of the JMJD1C protein (p.Arg1738His). The arginine residue is highly conserved and there is a small physicochemical difference between arginine and histidine.

NM_032776.3(JMJD1C):c.5213G>A (p.Arg1738His)

Gene: JMJD1C (jumonji domain containing 1C; minus strand). Cytogenetic location: 10q21.3.
Variant type: single nucleotide variant.
Coding change: c.5213G>A on transcript NM_032776.3 (MANE Select); coding-DNA position 5213, G replaced by A.
Protein change: p.Arg1738His; replaces arginine 1738 with histidine.
Molecular consequence: missense variant.
Genome position (GRCh38, 1-based): chr10:63,200,539, C>T on the plus strand (G>A on the coding strand, the complement: JMJD1C is on the minus strand). VCF-style: chr10-63200539-C-T. GRCh37 (hg19) VCF-style: chr10-64960299-C-T.
Other names: c.4667G>A, p.Arg1556His (NM_001282948.2, NM_001318154.2); c.4349G>A, p.Arg1450His (NM_001318153.2); c.5099G>A, p.Arg1700His (NM_001322252.2); c.4556G>A, p.Arg1519His (NM_001322254.2, NM_001322258.2); short protein forms R1450H, R1519H, R1556H, R1700H, R1738H.
Identifiers: ClinVar variation 1026248 (VCV001026248.9), dbSNP rs749176745, ClinGen allele CA5518132.